The following is an entry in ClinVar:

ClinVar aggregate classification (germline): Uncertain significance (1 of 4 stars; one submission).

Allele frequency attached by ClinVar (database versions not stated): TOPMed 0.00001.
gnomAD v4.1: 9 of 1,290,606 alleles (0.0007%); highest among the groups gnomAD compares: Admixed American, 0.0017%; no homozygotes.

Submission:

Labcorp Genetics (formerly Invitae), Labcorp
Classification: Uncertain significance. Last evaluated: 2025-09-02. Review status: criteria provided, single submitter. Criteria: Invitae Variant Classification Sherloc (09022015). Collection method: clinical testing. Allele origin: germline.
Comment: This sequence change creates a premature translational stop signal (p.Arg43*) in the DARS gene. It is expected to result in an absent or disrupted protein product. However, the current clinical and genetic evidence is not sufficient to establish whether loss-of-function variants in DARS cause disease. This variant is present in population databases (no rsID available, gnomAD 0.002%). This variant has not been reported in the literature in individuals affected with DARS-related conditions. ClinVar contains an entry for this variant (Variation ID: 1948159). In summary, the available evidence is currently insufficient to determine the role of this variant in disease. Therefore, it has been classified as a Variant of Uncertain Significance.

NM_001349.4(DARS1):c.127C>T (p.Arg43Ter)

Gene: DARS1 (aspartyl-tRNA synthetase 1; minus strand). Cytogenetic location: 2q21.3.
Variant type: single nucleotide variant.
Coding change: c.127C>T on transcript NM_001349.4 (MANE Select); coding-DNA position 127, C replaced by T.
Protein change: p.Arg43Ter; replaces arginine 43 with a stop codon.
Molecular consequence: nonsense. On other transcripts: 5 prime UTR variant (1).
Genome position (GRCh38, 1-based): chr2:135,979,364, G>A on the plus strand (C>T on the coding strand, the complement: DARS1 is on the minus strand). VCF-style: chr2-135979364-G-A. GRCh37 (hg19) VCF-style: chr2-136736934-G-A.
Other names: c.-174C>T (NM_001293312.1); short protein forms R43*.
Identifiers: ClinVar variation 1948159 (VCV001948159.5), dbSNP rs762236500, ClinGen allele CA348656666.